The following is an entry in ClinVar:

ClinVar aggregate classification (germline): Uncertain significance (1 of 4 stars; one submission).

Submission:

CeGaT Center for Human Genetics Tuebingen
Classification: Uncertain significance. Last evaluated: 2024-09-01. Review status: criteria provided, single submitter. Criteria: CeGaT Center For Human Genetics Tuebingen Variant Classification Criteria Version 2. Collection method: clinical testing. Allele origin: germline. Affected: yes. Observed: 1 variant allele.
Comment: ZNF407: PM2

NM_017757.3(ZNF407):c.4444G>A (p.Gly1482Arg)

Gene: ZNF407 (zinc finger protein 407; plus strand). Cytogenetic location: 18q22.3.
Variant type: single nucleotide variant.
Coding change: c.4444G>A on transcript NM_017757.3 (MANE Select); coding-DNA position 4444, G replaced by A.
Protein change: p.Gly1482Arg; replaces glycine 1482 with arginine.
Molecular consequence: missense variant.
Genome position (GRCh38, 1-based): chr18:74,635,463, G>A. VCF-style: chr18-74635463-G-A. GRCh37 (hg19) VCF-style: chr18-72347419-G-A.
Other names: c.4444G>A, p.Gly1482Arg (NM_001146189.1, NM_001146190.1, NM_001384475.1); short protein forms G1482R.
Identifiers: ClinVar variation 3389692 (VCV003389692.14).